The following is an entry in ClinVar:

ClinVar aggregate classification (germline): Uncertain significance (1 of 4 stars; one submission).

Conditions:
Hereditary cancer-predisposing syndrome. Also called: Neoplastic Syndromes, Hereditary; Tumor predisposition; Hereditary neoplastic syndrome; Hereditary Cancer Syndrome. Identifiers: Orphanet 140162, MedGen C0027672, MeSH D009386, MONDO:0015356.
Cardiovascular phenotype. Identifiers: MedGen CN230736.

Submission:

Ambry Genetics
Classification: Uncertain significance for Cardiovascular phenotype; Hereditary cancer-predisposing syndrome. Last evaluated: 2023-04-19. Review status: criteria provided, single submitter. Criteria: Ambry Variant Classification Scheme 2023. Collection method: clinical testing. Allele origin: germline.
Comment: The p.W469G variant (also known as c.1405T>G), located in coding exon 13 of the LZTR1 gene, results from a T to G substitution at nucleotide position 1405. The tryptophan at codon 469 is replaced by glycine, an amino acid with highly dissimilar properties. This amino acid position is conserved. In addition, this alteration is predicted to be deleterious by in silico analysis. Since supporting evidence is limited at this time, the clinical significance of this alteration remains unclear.

NM_006767.4(LZTR1):c.1405T>G (p.Trp469Gly)

Gene: LZTR1 (leucine zipper like post translational regulator 1; plus strand). Cytogenetic location: 22q11.21.
Variant type: single nucleotide variant.
Coding change: c.1405T>G on transcript NM_006767.4 (MANE Select); coding-DNA position 1405, T replaced by G.
Protein change: p.Trp469Gly; replaces tryptophan 469 with glycine.
Molecular consequence: missense variant.
Genome position (GRCh38, 1-based): chr22:20,993,975, T>G. VCF-style: chr22-20993975-T-G. GRCh37 (hg19) VCF-style: chr22-21348264-T-G.
Other names: short protein forms W469G.
Identifiers: ClinVar variation 3238073 (VCV003238073.1), dbSNP rs2518620477.